The following is an entry in ClinVar:

ClinVar aggregate classification (germline): Conflicting classifications of pathogenicity. Review status: criteria provided, conflicting classifications (1 of 4 stars). 2 submissions from 2 submitters: Uncertain significance (1); Likely benign (1). Last evaluated 2023-06-10.

Conditions:
Inborn genetic diseases. Identifiers: MedGen C0950123, MeSH D030342.

Allele frequency attached by ClinVar (database versions not stated): ExAC 0.00002.
gnomAD v4.1: 5 of 1,613,948 alleles (0.00031%); highest among the groups gnomAD compares: Non-Finnish European, 0.00042%; no homozygotes.

Submissions (2):

Labcorp Genetics (formerly Invitae), Labcorp
Classification: Uncertain significance. Last evaluated: 2023-06-10. Review status: criteria provided, single submitter. Criteria: Invitae Variant Classification Sherloc (09022015). Collection method: clinical testing. Allele origin: germline.
Comment: In summary, the available evidence is currently insufficient to determine the role of this variant in disease. Therefore, it has been classified as a Variant of Uncertain Significance. Advanced modeling of protein sequence and biophysical properties (such as structural, functional, and spatial information, amino acid conservation, physicochemical variation, residue mobility, and thermodynamic stability) performed at Invitae indicates that this missense variant is not expected to disrupt KMT2A protein function. ClinVar contains an entry for this variant (Variation ID: 2312738). This variant has not been reported in the literature in individuals affected with KMT2A-related conditions. This variant is present in population databases (rs781929360, gnomAD 0.003%). This sequence change replaces valine, which is neutral and non-polar, with leucine, which is neutral and non-polar, at codon 3111 of the KMT2A protein (p.Val3111Leu).

Ambry Genetics
Classification: Likely benign for Inborn genetic diseases. Last evaluated: 2022-09-22. Review status: criteria provided, single submitter. Criteria: Ambry Variant Classification Scheme 2023. Collection method: clinical testing. Allele origin: germline.

NM_001197104.2(KMT2A):c.9331G>C (p.Val3111Leu)

Gene: KMT2A (lysine methyltransferase 2A; plus strand). Cytogenetic location: 11q23.3.
Variant type: single nucleotide variant.
Coding change: c.9331G>C on transcript NM_001197104.2 (MANE Select); coding-DNA position 9331, G replaced by C.
Protein change: p.Val3111Leu; replaces valine 3111 with leucine.
Molecular consequence: missense variant.
Genome position (GRCh38, 1-based): chr11:118,505,223, G>C. VCF-style: chr11-118505223-G-C. GRCh37 (hg19) VCF-style: chr11-118375938-G-C.
Other names: c.9421G>C, p.Val3141Leu (NM_001412597.1); c.9322G>C, p.Val3108Leu (NM_005933.4); short protein forms V3108L, V3141L, V3111L.
Identifiers: ClinVar variation 2312738 (VCV002312738.5), dbSNP rs781929360, ClinGen allele CA6304574.